The following is an entry in ClinVar:

NM_153610.5(CMYA5):c.6810A>C (p.Ser2270=)

Gene: CMYA5 (cardiomyopathy associated 5; plus strand). Cytogenetic location: 5q14.1.
Variant type: single nucleotide variant.
Coding change: c.6810A>C on transcript NM_153610.5 (MANE Select); coding-DNA position 6810, A replaced by C.
Protein change: p.Ser2270=; no amino-acid change (serine 2270 retained).
Molecular consequence: synonymous variant.
Genome position (GRCh38, 1-based): chr5:79,735,575, A>C. VCF-style: chr5-79735575-A-C. GRCh37 (hg19) VCF-style: chr5-79031398-A-C.
Identifiers: ClinVar variation 2655560 (VCV002655560.24), dbSNP rs770005065, ClinGen allele CA3322353.

ClinVar aggregate classification (germline): Likely benign (1 of 4 stars; one submission).

Allele frequency attached by ClinVar (database versions not stated): gnomAD 0.00003; TOPMed 0.00005; ExAC 0.00008; gnomAD exomes 0.00009.
gnomAD v4.1: 140 of 1,613,112 alleles (0.0087%); highest among the groups gnomAD compares: Middle Eastern, 0.066%; no homozygotes.

Submission:

CeGaT Center for Human Genetics Tuebingen
Classification: Likely benign. Last evaluated: 2022-10-01. Review status: criteria provided, single submitter. Criteria: CeGaT Center For Human Genetics Tuebingen Variant Classification Criteria Version 2. Collection method: clinical testing. Allele origin: germline. Affected: yes. Observed: 1 variant allele.
Comment: CMYA5: BP4, BP7